The following is an entry in ClinVar:

NM_001319206.4(MEF2A):c.1347G>T (p.Gly449=)

Gene: MEF2A (myocyte enhancer factor 2A; plus strand). Cytogenetic location: 15q26.3.
Variant type: single nucleotide variant.
Coding change: c.1347G>T on transcript NM_001319206.4 (MANE Select); coding-DNA position 1347, G replaced by T.
Protein change: p.Gly449=; no amino-acid change (glycine 449 retained).
Molecular consequence: synonymous variant.
Genome position (GRCh38, 1-based): chr15:99,712,600, G>T. VCF-style: chr15-99712600-G-T. GRCh37 (hg19) VCF-style: chr15-100252805-G-T.
Other names: c.1323G>T, p.Gly441= (NM_001130926.5, NM_001171894.5, NM_001352614.4 and 15 more transcripts); c.1143G>T, p.Gly381= (NM_001130927.5, NM_001365209.3); c.1119G>T, p.Gly373= (NM_001130928.4, NM_001393559.2); c.1347G>T, p.Gly449= (NM_001352616.4, NM_001365205.3, NM_001400031.1 and 5 more transcripts); c.1329G>T, p.Gly443= (NM_001352617.4, NM_001365207.3, NM_001400038.1 and 8 more transcripts); c.1341G>T, p.Gly447= (NM_001352618.4, NM_001365206.3, NM_001400037.1); c.1365G>T, p.Gly455= (NM_001365201.3, NM_001365202.3); c.1353G>T, p.Gly451= (NM_001365203.3, NM_001365204.3, NM_001400029.1 and 1 more transcripts); and 6 more.
Identifiers: ClinVar variation 3059085 (VCV003059085.2), dbSNP rs325400, ClinGen allele CA7755692.

ClinVar aggregate classification (germline): Benign (0 of 4 stars; one submission).

Conditions:
MEF2A-related disorder. Also called: MEF2A-related condition.

Allele frequency attached by ClinVar (database versions not stated): 1000 Genomes Project 30x 0.34119; 1000 Genomes Project 0.34924; ESP Exome Variant Server 0.38888; TOPMed 0.39712; gnomAD 0.41227; ExAC 0.49528.
gnomAD v4.1: 763,924 of 1,550,848 alleles (49%); highest among the groups gnomAD compares: Middle Eastern, 52%; 193,463 homozygotes.

Submission:

PreventionGenetics, part of Exact Sciences
Classification: Benign for MEF2A-related condition. Last evaluated: 2019-10-17. Review status: no assertion criteria provided. Collection method: clinical testing. Allele origin: germline.
Comment: This variant is classified as benign based on ACMG/AMP sequence variant interpretation guidelines (Richards et al. 2015 PMID: 25741868, with internal and published modifications).